The following is an entry in ClinVar:

ClinVar aggregate classification (germline): Conflicting classifications of pathogenicity. Review status: criteria provided, conflicting classifications (1 of 4 stars). 4 submissions from 4 submitters: Uncertain significance (1); Benign (1); Likely benign (1). 1 of the submissions does not count toward it. Last evaluated 2025-12-28.

Conditions:
NPHP4-related disorder. Also called: NPHP4-related disorders; NPHP4-related condition. Identifiers: MedGen CN239384.
Nephronophthisis 4 (NPHP4). Also called: NEPHRONOPHTHISIS 4, JUVENILE. Identifiers: Orphanet 655, MedGen C1847013, MONDO:0011752, OMIM 606966.
Senior-Loken syndrome 4 (SLSN4). Identifiers: Orphanet 3156, MedGen C1846979, MONDO:0011756, OMIM 606996.
Nephronophthisis. Also called: Juvenile Nephronophthisis. Identifiers: Orphanet 655, MedGen C0687120, MONDO:0019005, HP:0000090.

Allele frequency attached by ClinVar (database versions not stated): gnomAD 0.00009 and 0.00017; TOPMed 0.00009; 1000 Genomes Project 30x 0.00016; 1000 Genomes Project 0.00020.
gnomAD v4.1: 299 of 1,604,260 alleles (0.019%); highest among the groups gnomAD compares: East Asian, 0.6%; 2 homozygotes.

Submissions (4):

Labcorp Genetics (formerly Invitae), Labcorp
Classification: Likely benign for Nephronophthisis. Last evaluated: 2025-12-28. Review status: criteria provided, single submitter. Criteria: Invitae Variant Classification Sherloc (09022015). Collection method: clinical testing. Allele origin: germline.

Blueprint Genetics
Classification: Benign. Last evaluated: 2024-04-18. Review status: criteria provided, single submitter. Criteria: ACMG Guidelines, 2015. Collection method: clinical testing. Allele origin: germline.

Fulgent Genetics
Classification: Uncertain significance for Nephronophthisis 4; Senior-Loken syndrome 4. Last evaluated: 2024-02-14. Review status: criteria provided, single submitter. Criteria: ACMG Guidelines, 2015. Collection method: clinical testing. Allele origin: germline.

PreventionGenetics, part of Exact Sciences
Classification: Uncertain significance for NPHP4-related condition. Last evaluated: 2024-07-16. Review status: no assertion criteria provided. Collection method: clinical testing. Allele origin: germline. Not counted in ClinVar's aggregate classification.
Comment: The NPHP4 c.2717G>A variant is predicted to result in the amino acid substitution p.Arg906His. This variant is alternatively referred to as c.1181G>A, p.Arg394His (NM_001291594) in the literature. This variant was reported in the compound heterozygous state in multiple individuals with nephronophthisis (Table 5, Mori et al. 2017. PubMed ID: 26920127; Takada et al. 2018. PubMed ID: 29162218; Table 3, Fujimaru et al. 2018. PubMed ID: 29520754). This variant is reported in 0.17% of alleles in individuals of East Asian descent in gnomAD. At this time, the clinical significance of this variant is uncertain due to the absence of conclusive functional and genetic evidence.

NM_015102.5(NPHP4):c.2717G>A (p.Arg906His)

Gene: NPHP4 (nephrocystin 4; minus strand). Cytogenetic location: 1p36.31.
Variant type: single nucleotide variant.
Coding change: c.2717G>A on transcript NM_015102.5 (MANE Select); coding-DNA position 2717, G replaced by A.
Protein change: p.Arg906His; replaces arginine 906 with histidine.
Molecular consequence: missense variant. On other transcripts: non-coding transcript variant (1).
Genome position (GRCh38, 1-based): chr1:5,877,193, C>T on the plus strand (G>A on the coding strand, the complement: NPHP4 is on the minus strand). VCF-style: chr1-5877193-C-T. GRCh37 (hg19) VCF-style: chr1-5937253-C-T.
Other names: c.1178G>A, p.Arg393His (NM_001291593.2); c.1181G>A, p.Arg394His (NM_001291594.2); c.2717G>A (NM_015102.4); short protein forms R393H, R394H, R906H.
Identifiers: ClinVar variation 1161892 (VCV001161892.12), dbSNP rs77973802, ClinGen allele CA553958.
Genomic context (GRCh38, chr1:5,877,193, plus strand): 5'-TCCTGCAGGCGCACAGACCTCATCCGCTCCAGCTTACGCCTGCGGGTGGCATCCGACTCG[C>T]GGCTGACGTCCTGGGGCCCCTTGCCCTGCCGGGCATGGGTCAGTAGCATGGCAGCCAGCT-3'
Protein context (NP_055917.1, residues 896-916): RQGKGPQDVS[Arg906His]ESDATRRRKL